The following is an entry in ClinVar:

ClinVar aggregate classification (germline): Likely pathogenic (1 of 4 stars; one submission).

Conditions:
Inborn genetic diseases. Identifiers: MedGen C0950123, MeSH D030342.

Submission:

Ambry Genetics
Classification: Likely pathogenic for Inborn genetic diseases. Last evaluated: 2025-09-23. Review status: criteria provided, single submitter. Criteria: Ambry Variant Classification Scheme 2023. Collection method: clinical testing. Allele origin: germline.
Comment: The c.490C>T (p.Q164*) alteration, located in exon 1 (coding exon 1) of the TWIST1 gene, consists of a C to T substitution at nucleotide position 490. This changes the amino acid from a glutamine (Q) to a stop codon at amino acid position 164. This variant is not expected to trigger nonsense-mediated mRNA decay, and impacts the last 18% of the protein. However, premature stop codons are typically deleterious in nature and a significant portion of the protein is affected (Ambry internal data). This variant was not reported in population-based cohorts in the Genome Aggregation Database (gnomAD). This variant was reported in individuals with features consistent with TWIST1-related acrocephalosyndactyly disorders (Gripp, 2000; Roscioli, 2013; Topa, 2020; AlAbdi, 2023). Based on internal structural analysis, this variant is anticipated to disrupt a region of known function (Spring, 2000; Bialek, 2004; Qin, 2012; Gruss, 2023; Ambry internal data). Based on the available evidence, this alteration is classified as likely pathogenic.

Literature cited by the submitters: PubMed 10649491; PubMed 11112336; PubMed 15030764; PubMed 21876555; PubMed 24127277; PubMed 31837199; PubMed 37067863; PubMed 37644014.

NM_000474.4(TWIST1):c.490C>T (p.Gln164Ter)

Genes: TWIST1 (twist family bHLH transcription factor 1; minus strand), LOC129998021 (ATAC-STARR-seq lymphoblastoid active region 25682; plus strand). Cytogenetic location: 7p21.1.
Variant type: single nucleotide variant.
Coding change: c.490C>T on transcript NM_000474.4 (MANE Select); coding-DNA position 490, C replaced by T.
Protein change: p.Gln164Ter; replaces glutamine 164 with a stop codon.
Molecular consequence: nonsense. On other transcripts: non-coding transcript variant (1).
Genome position (GRCh38, 1-based): chr7:19,116,832, G>A on the plus strand (C>T on the coding strand, the complement: TWIST1 is on the minus strand). VCF-style: chr7-19116832-G-A. GRCh37 (hg19) VCF-style: chr7-19156455-G-A.
Other names: short protein forms Q164*.
Identifiers: ClinVar variation 4633984 (VCV004633984.1).
Genomic context (GRCh38, chr7:19,116,832, plus strand): 5'-TGAGCCGCTCGTGAGCCACATAGCTGCAGCTTGCCATCTTGGAGTCCAGCTCGTCGCTCT[G>A]GAGGACCTGGTAGAGGAAGTCGATGTACCTGGCCGCCAGCTTGAGGGTCTGAATCTTGCT-3'